The following is an entry in ClinVar:

ClinVar aggregate classification (germline): Likely benign. Review status: criteria provided, multiple submitters, no conflicts (2 of 4 stars). 2 submissions from 2 submitters: Likely benign (2). Last evaluated 2023-09-30.

Conditions:
Glycogen storage disease IV, classic hepatic. Also called: GSD IV, CLASSIC HEPATIC. Identifiers: MedGen C1856301.
Glycogen storage disease, type IV (GSD4). Also called: AMYLOPECTINOSIS; ANDERSEN DISEASE; BRANCHER DEFICIENCY; CIRRHOSIS, FAMILIAL, WITH DEPOSITION OF ABNORMAL GLYCOGEN; Glycogen storage disease due to glycogen branching enzyme deficiency; GBE1 DEFICIENCY. Identifiers: Orphanet 367, MedGen C0017923, MONDO:0009292, OMIM 232500.

Allele frequency attached by ClinVar (database versions not stated): gnomAD exomes below 0.00001; ExAC 0.00001; TOPMed 0.00001; gnomAD 0.00002.
gnomAD v4.1: 7 of 1,453,872 alleles (0.00048%); highest among the groups gnomAD compares: Non-Finnish European, 0.00067%; no homozygotes.

Submissions (2):

Labcorp Genetics (formerly Invitae), Labcorp
Classification: Likely benign for Glycogen storage disease, type IV; Glycogen storage disease IV, classic hepatic. Last evaluated: 2023-09-30. Review status: criteria provided, single submitter. Criteria: Invitae Variant Classification Sherloc (09022015). Collection method: clinical testing. Allele origin: germline.

GeneDx
Classification: Likely benign. Last evaluated: 2017-08-23. Review status: criteria provided, single submitter. Criteria: GeneDx Variant Classification (06012015). Collection method: clinical testing. Allele origin: germline. Affected: yes.
Comment: This variant is considered likely benign or benign based on one or more of the following criteria: it is a conservative change, it occurs at a poorly conserved position in the protein, it is predicted to be benign by multiple in silico algorithms, and/or has population frequency not consistent with disease.

NM_000158.4(GBE1):c.1446+15G>T

Gene: GBE1 (1,4-alpha-glucan branching enzyme 1; minus strand). Cytogenetic location: 3p12.2.
Variant type: single nucleotide variant.
Coding change: c.1446+15G>T on transcript NM_000158.4 (MANE Select); 15 bases into the intron after coding-DNA position 1446, G replaced by T.
Molecular consequence: intron variant.
Genome position (GRCh38, 1-based): chr3:81,581,150, C>A on the plus strand (G>T on the coding strand, the complement: GBE1 is on the minus strand). VCF-style: chr3-81581150-C-A. GRCh37 (hg19) VCF-style: chr3-81630301-C-A.
Identifiers: ClinVar variation 511368 (VCV000511368.4), dbSNP rs752305746, ClinGen allele CA2499664.
Genomic context (GRCh38, chr3:81,581,150, plus strand): 5'-AATATGTTATTAAGGAGAGGGAAGGAGGAAGAGAGAGAGAGAGAAATAAATGAATTTATG[C>A]ACATATTCATTTACCTGATCATGGCTCTCTGCATAAGCAATGCACTTTTCAAGGTAGCGC-3'